The following is an entry in ClinVar:

NM_000051.4(ATM):c.2000_2003dup (p.Cys669fs)

Gene: ATM (ATM serine/threonine kinase; plus strand). Cytogenetic location: 11q22.3.
Variant type: Microsatellite.
Coding change: c.2000_2003dup on transcript NM_000051.4 (MANE Select); coding-DNA positions 2000 to 2003, 4 bases duplicated (GAGA; older notation c.2000_2003dupGAGA).
Protein change: p.Cys669fs; shifts the reading frame from cysteine 669.
Molecular consequence: frameshift variant.
Genome position (GRCh38, 1-based): chr11:108,253,915-108,253,918, GAGA duplicated; duplicating any 4 consecutive bases within chr11:108,253,913-108,253,918 gives the same sequence; the c. name uses the placement nearest the transcript's 3' end. VCF-style (leftmost placement, unchanged base first): chr11-108253912-T-TGAGA. GRCh37 (hg19) VCF-style: chr11-108124639-T-TGAGA.
Other names: c.2000_2003dup, p.Cys669fs (NM_001351834.2); c.2000_2003dup (NM_000051.3); short protein forms C669fs.
Identifiers: ClinVar variation 490449 (VCV000490449.4), dbSNP rs1555073282, ClinGen allele CA658683724.

ClinVar aggregate classification (germline): Pathogenic (1 of 4 stars; one submission).

Conditions:
Hereditary cancer-predisposing syndrome. Also called: Hereditary Cancer Syndrome; Neoplastic Syndromes, Hereditary; Tumor predisposition; Hereditary neoplastic syndrome. Identifiers: Orphanet 140162, MedGen C0027672, MeSH D009386, MONDO:0015356.

Submission:

Color Diagnostics, LLC DBA Color Health
Classification: Pathogenic for Hereditary cancer-predisposing syndrome. Last evaluated: 2020-05-08. Review status: criteria provided, single submitter. Criteria: ACMG Guidelines, 2015. Collection method: clinical testing. Allele origin: germline.
Comment: This variant inserts 4 nucleotides in exon 13 of the ATM gene, creating a frameshift and premature translation stop signal. This variant is expected to result in an absent or non-functional protein product. To our knowledge, this variant has not been reported in individuals affected with hereditary cancer in the literature. This variant has not been identified in the general population by the Genome Aggregation Database (gnomAD). Loss of ATM function is a known mechanism of disease. Based on the available evidence, this variant is classified as Pathogenic.